The following is an entry in ClinVar:

NM_007294.4(BRCA1):c.4989G>T (p.Met1663Ile)

Gene: BRCA1 (BRCA1 DNA repair associated; minus strand). Cytogenetic location: 17q21.31.
Variant type: single nucleotide variant.
Coding change: c.4989G>T on transcript NM_007294.4 (MANE Select); coding-DNA position 4989, G replaced by T.
Protein change: p.Met1663Ile; replaces methionine 1663 with isoleucine.
Molecular consequence: missense variant. On other transcripts: non-coding transcript variant (1).
Genome position (GRCh38, 1-based): chr17:43,067,693, C>A on the plus strand (G>T on the coding strand, the complement: BRCA1 is on the minus strand). VCF-style: chr17-43067693-C-A. GRCh37 (hg19) VCF-style: chr17-41219710-C-A.
Other names: c.4983G>T, p.Met1661Ile (NM_001407641.1, NM_001407642.1, NM_001407627.1 and 14 more transcripts); c.4980G>T, p.Met1660Ile (NM_001407644.1, NM_001407645.1); c.4977G>T, p.Met1659Ile (NM_001407646.1); c.4974G>T, p.Met1658Ile (NM_001407647.1); c.4932G>T, p.Met1644Ile (NM_001407648.1); c.4905G>T, p.Met1635Ile (NM_001407661.1, NM_001407662.1, NM_001407663.1 and 2 more transcripts); c.4866G>T, p.Met1622Ile (NM_001407664.1, NM_001407665.1, NM_001407666.1 and 6 more transcripts); c.4863G>T, p.Met1621Ile (NM_001407680.1, NM_001407939.1, NM_001407940.1 and 11 more transcripts); and 70 more; short protein forms M559I, M1663I, M1616I, M1684I, M1367I, M1534I, M1535I, M1536I.
Identifiers: ClinVar variation 868099 (VCV000868099.4), dbSNP rs748807039, ClinGen allele CA053638.

ClinVar aggregate classification (germline): Uncertain significance (0 of 4 stars; one submission).

Conditions:
Breast-ovarian cancer, familial, susceptibility to, 1 (BROVCA1). Also called: BRCA1 Hereditary Breast and Ovarian Cancer; OVARIAN CANCER, SUSCEPTIBILITY TO. Identifiers: Orphanet 145, MedGen C2676676, MONDO:0011450, OMIM 604370. Disease mechanism: loss of function.

Allele frequency attached by ClinVar (database versions not stated): gnomAD exomes 0.00001; ExAC 0.00002.

Submissions (2):

BRCAlab, Lund University
Classification: Uncertain significance for Breast-ovarian cancer, familial, susceptibility to, 1. Last evaluated: 2020-03-02. Review status: no assertion criteria provided. Collection method: clinical testing. Allele origin: germline. Affected: yes.

Brotman Baty Institute, University of Washington
No classification provided (evidence only). Condition: Breast-ovarian cancer, familial 1. Review status: no classification provided. Collection method: in vitro. Allele origin: not applicable. Functional consequence: functionally_normal. Not counted in ClinVar's aggregate classification.
ClinVar note: "not provided" was previously submitted as the classification for the variant. However, the classification appeared to be based only on an observation of functional data so it was converted to no classification on 2025-07-30.